The following is an entry in ClinVar:

ClinVar aggregate classification (germline): Uncertain significance. Review status: criteria provided, multiple submitters, no conflicts (2 of 4 stars). 3 submissions from 3 submitters: Uncertain significance (3). Last evaluated 2024-06-29.

Conditions:
Familial thoracic aortic aneurysm and aortic dissection (TAAD). Also called: Thoracic aortic aneurysms and dissections. Identifiers: Orphanet 91387, MedGen C4707243, MONDO:0019625.
Hereditary cancer-predisposing syndrome. Also called: Hereditary Cancer Syndrome; Neoplastic Syndromes, Hereditary; Hereditary neoplastic syndrome; Tumor predisposition. Identifiers: Orphanet 140162, MedGen C0027672, MeSH D009386, MONDO:0015356.
Juvenile polyposis syndrome (JPS). Identifiers: Orphanet 2929, MedGen C0345893, MONDO:0017380, OMIM 174900.

Allele frequency attached by ClinVar (database versions not stated): TOPMed below 0.00001.

Submissions (3):

Ambry Genetics
Classification: Uncertain significance for Hereditary cancer-predisposing syndrome; Familial thoracic aortic aneurysm and aortic dissection. Last evaluated: 2024-06-29. Review status: criteria provided, single submitter. Criteria: Ambry Variant Classification Scheme 2023. Collection method: clinical testing. Allele origin: germline.
Comment: The p.L308V variant (also known as c.922C>G), located in coding exon 7 of the SMAD4 gene, results from a C to G substitution at nucleotide position 922. The leucine at codon 308 is replaced by valine, an amino acid with highly similar properties. This amino acid position is well conserved in available vertebrate species. In addition, the in silico prediction for this alteration is inconclusive. Since supporting evidence is limited at this time, the clinical significance of this alteration remains unclear.

Color Diagnostics, LLC DBA Color Health
Classification: Uncertain significance for Hereditary cancer-predisposing syndrome. Last evaluated: 2024-03-06. Review status: criteria provided, single submitter. Criteria: ACMG Guidelines, 2015. Collection method: clinical testing. Allele origin: germline.
Comment: This missense variant replaces leucine with valine at codon 308 of the SMAD4 protein. Computational prediction suggests that this variant may not impact protein structure and function (internally defined REVEL score threshold <= 0.5, PMID: 27666373). To our knowledge, functional studies have not been reported for this variant. This variant has not been reported in individuals affected with hereditary cancer in the literature. This variant has not been identified in the general population by the Genome Aggregation Database (gnomAD). The available evidence is insufficient to determine the role of this variant in disease conclusively. Therefore, this variant is classified as a Variant of Uncertain Significance.

Labcorp Genetics (formerly Invitae), Labcorp
Classification: Uncertain significance for Juvenile polyposis syndrome. Last evaluated: 2021-07-03. Review status: criteria provided, single submitter. Criteria: Invitae Variant Classification Sherloc (09022015). Collection method: clinical testing. Allele origin: germline.
Comment: This sequence change replaces leucine with valine at codon 308 of the SMAD4 protein (p.Leu308Val). The leucine residue is moderately conserved and there is a small physicochemical difference between leucine and valine. This variant is not present in population databases (ExAC no frequency). This variant has not been reported in the literature in individuals with SMAD4-related conditions. Algorithms developed to predict the effect of missense changes on protein structure and function (SIFT, PolyPhen-2, Align-GVGD) all suggest that this variant is likely to be tolerated, but these predictions have not been confirmed by published functional studies and their clinical significance is uncertain. In summary, the available evidence is currently insufficient to determine the role of this variant in disease. Therefore, it has been classified as a Variant of Uncertain Significance.

NM_005359.6(SMAD4):c.922C>G (p.Leu308Val)

Gene: SMAD4 (SMAD family member 4; plus strand). Cytogenetic location: 18q21.2.
Variant type: single nucleotide variant.
Coding change: c.922C>G on transcript NM_005359.6 (MANE Select); coding-DNA position 922, C replaced by G.
Protein change: p.Leu308Val; replaces leucine 308 with valine.
Molecular consequence: missense variant.
Genome position (GRCh38, 1-based): chr18:51,059,883, C>G. VCF-style: chr18-51059883-C-G. GRCh37 (hg19) VCF-style: chr18-48586253-C-G.
Other names: short protein forms L308V.
Identifiers: ClinVar variation 823109 (VCV000823109.20), dbSNP rs1383128743, ClinGen allele CA402463675.